The following is an entry in ClinVar:

NM_152383.5(DIS3L2):c.191A>G (p.Lys64Arg)

Gene: DIS3L2 (DIS3 like 3'-5' exoribonuclease 2; plus strand). Cytogenetic location: 2q37.1.
Variant type: single nucleotide variant.
Coding change: c.191A>G on transcript NM_152383.5 (MANE Select); coding-DNA position 191, A replaced by G.
Protein change: p.Lys64Arg; replaces lysine 64 with arginine.
Molecular consequence: missense variant. On other transcripts: non-coding transcript variant (2).
Genome position (GRCh38, 1-based): chr2:232,015,652, A>G. VCF-style: chr2-232015652-A-G. GRCh37 (hg19) VCF-style: chr2-232880362-A-G.
Other names: c.191A>G, p.Lys64Arg (NM_001257281.2, NM_001257282.2); short protein forms K64R.
Identifiers: ClinVar variation 1414128 (VCV001414128.8), dbSNP rs958950313, ClinGen allele CA67499258.

ClinVar aggregate classification (germline): Uncertain significance (1 of 4 stars; one submission).

Conditions:
Perlman syndrome (PRLMNS). Identifiers: Orphanet 2849, MedGen C0796113, MONDO:0009965, OMIM 267000.

Allele frequency attached by ClinVar (database versions not stated): gnomAD 0.00001 and 0.00002; TOPMed 0.00001.
gnomAD v4.1: 2 of 1,613,816 alleles (0.00012%); highest among the groups gnomAD compares: African/African-American, 0.0027%; no homozygotes.

Submission:

Labcorp Genetics (formerly Invitae), Labcorp
Classification: Uncertain significance for Perlman syndrome. Last evaluated: 2023-05-01. Review status: criteria provided, single submitter. Criteria: Invitae Variant Classification Sherloc (09022015). Collection method: clinical testing. Allele origin: germline.
Comment: This variant has not been reported in the literature in individuals affected with DIS3L2-related conditions. In summary, the available evidence is currently insufficient to determine the role of this variant in disease. Therefore, it has been classified as a Variant of Uncertain Significance. Studies have shown that this missense change is associated with altered splicing resulting in unknown protein product impact (Invitae). Advanced modeling of protein sequence and biophysical properties (such as structural, functional, and spatial information, amino acid conservation, physicochemical variation, residue mobility, and thermodynamic stability) performed at Invitae indicates that this missense variant is not expected to disrupt DIS3L2 protein function. ClinVar contains an entry for this variant (Variation ID: 1414128). This variant is not present in population databases (gnomAD no frequency). This sequence change replaces lysine, which is basic and polar, with arginine, which is basic and polar, at codon 64 of the DIS3L2 protein (p.Lys64Arg).